The following is an entry in ClinVar:

NM_000136.3(FANCC):c.996+5G>C

Genes: AOPEP (aminopeptidase O (putative); plus strand), FANCC (FA complementation group C; minus strand). Cytogenetic location: 9q22.32.
Variant type: single nucleotide variant.
Coding change: c.996+5G>C on transcript NM_000136.3 (MANE Select); 5 bases into the intron after coding-DNA position 996, G replaced by C.
Molecular consequence: intron variant.
Genome position (GRCh38, 1-based): chr9:95,125,081, C>G on the plus strand (G>C on the coding strand, the complement: FANCC is on the minus strand). VCF-style: chr9-95125081-C-G. GRCh37 (hg19) VCF-style: chr9-97887363-C-G.
Other names: c.996+5G>C (NM_001243743.2, NM_001243744.2).
Identifiers: ClinVar variation 3512759 (VCV003512759.2).
Genomic context (GRCh38, chr9:95,125,081, plus strand): 5'-CCAAAATACTCTCAACAGCGTCTTATTCTCTGGGATGAATGAGTAATATATGTGATATAA[C>G]AAACCTGCTTGCTTGCTTTCTCCAGAGCTTCTACAAAGCACTGCGTAAACACCTGAATAG-3'

ClinVar aggregate classification (germline): Uncertain significance. Review status: criteria provided, multiple submitters, no conflicts (2 of 4 stars). 2 submissions from 2 submitters: Uncertain significance (2). Last evaluated 2024-11-19.

Conditions:
Hereditary cancer-predisposing syndrome. Also called: Tumor predisposition; Neoplastic Syndromes, Hereditary; Hereditary Cancer Syndrome; Hereditary neoplastic syndrome. Identifiers: Orphanet 140162, MedGen C0027672, MeSH D009386, MONDO:0015356.

gnomAD v4.1: 8 of 1,612,908 alleles (0.0005%); highest among the groups gnomAD compares: Non-Finnish European, 0.000085%; no homozygotes.

Submissions (2):

Ambry Genetics
Classification: Uncertain significance for Hereditary cancer-predisposing syndrome. Last evaluated: 2024-11-19. Review status: criteria provided, single submitter. Criteria: Ambry Variant Classification Scheme 2023. Collection method: clinical testing. Allele origin: germline.
Comment: The c.996+5G>C intronic variant results from a G to C substitution 5 nucleotides after coding exon 9 in the FANCC gene. This nucleotide position is not well conserved in available vertebrate species. In silico splice site analysis predicts that this alteration will weaken the native splice donor site. Based on the available evidence, the clinical significance of this variant remains unclear.

Blueprint Genetics
Classification: Uncertain significance. Last evaluated: 2020-06-07. Review status: criteria provided, single submitter. Criteria: ACMG Guidelines, 2015. Collection method: clinical testing. Allele origin: germline.